The following is an entry in ClinVar:

NM_000541.5(SAG):c.161A>C (p.Asp54Ala)

Gene: SAG (S-antigen visual arrestin; plus strand). Cytogenetic location: 2q37.1.
Variant type: single nucleotide variant.
Coding change: c.161A>C on transcript NM_000541.5 (MANE Select); coding-DNA position 161, A replaced by C.
Protein change: p.Asp54Ala; replaces aspartic acid 54 with alanine.
Molecular consequence: missense variant.
Genome position (GRCh38, 1-based): chr2:233,318,775, A>C. VCF-style: chr2-233318775-A-C. GRCh37 (hg19) VCF-style: chr2-234227421-A-C.
Other names: short protein forms D54A.
Identifiers: ClinVar variation 1009884 (VCV001009884.8), dbSNP rs1700287626, ClinGen allele CA351044497.

ClinVar aggregate classification (germline): Uncertain significance (1 of 4 stars; one submission).

Submission:

Labcorp Genetics (formerly Invitae), Labcorp
Classification: Uncertain significance. Last evaluated: 2022-10-13. Review status: criteria provided, single submitter. Criteria: Invitae Variant Classification Sherloc (09022015). Collection method: clinical testing. Allele origin: germline.
Comment: This sequence change replaces aspartic acid, which is acidic and polar, with alanine, which is neutral and non-polar, at codon 54 of the SAG protein (p.Asp54Ala). This variant is not present in population databases (gnomAD no frequency). This variant has not been reported in the literature in individuals affected with SAG-related conditions. ClinVar contains an entry for this variant (Variation ID: 1009884). Advanced modeling of protein sequence and biophysical properties (such as structural, functional, and spatial information, amino acid conservation, physicochemical variation, residue mobility, and thermodynamic stability) performed at Invitae indicates that this missense variant is not expected to disrupt SAG protein function. In summary, the available evidence is currently insufficient to determine the role of this variant in disease. Therefore, it has been classified as a Variant of Uncertain Significance.